The following is an entry in ClinVar:

NM_005529.7(HSPG2):c.9245G>A (p.Arg3082Gln)

Gene: HSPG2 (heparan sulfate proteoglycan 2; minus strand). Cytogenetic location: 1p36.12.
Variant type: single nucleotide variant.
Coding change: c.9245G>A on transcript NM_005529.7 (MANE Select); coding-DNA position 9245, G replaced by A.
Protein change: p.Arg3082Gln; replaces arginine 3082 with glutamine.
Molecular consequence: missense variant.
Genome position (GRCh38, 1-based): chr1:21,841,622, C>T on the plus strand (G>A on the coding strand, the complement: HSPG2 is on the minus strand). VCF-style: chr1-21841622-C-T. GRCh37 (hg19) VCF-style: chr1-22168115-C-T.
Other names: c.9248G>A, p.Arg3083Gln (NM_001291860.2); short protein forms R3082Q, R3083Q.
Identifiers: ClinVar variation 2130746 (VCV002130746.1), dbSNP rs753576528, ClinGen allele CA670504.

ClinVar aggregate classification (germline): Uncertain significance (1 of 4 stars; one submission).

Allele frequency attached by ClinVar (database versions not stated): gnomAD 0.00001; gnomAD exomes 0.00001; ExAC 0.00002; TOPMed 0.00002.
gnomAD v4.1: 11 of 1,613,998 alleles (0.00068%); highest among the groups gnomAD compares: Admixed American, 0.005%; no homozygotes.

Submission:

Labcorp Genetics (formerly Invitae), Labcorp
Classification: Uncertain significance. Last evaluated: 2022-07-30. Review status: criteria provided, single submitter. Criteria: Invitae Variant Classification Sherloc (09022015). Collection method: clinical testing. Allele origin: germline.
Comment: This sequence change replaces arginine, which is basic and polar, with glutamine, which is neutral and polar, at codon 3082 of the HSPG2 protein (p.Arg3082Gln). This variant is present in population databases (rs753576528, gnomAD 0.007%). This variant has not been reported in the literature in individuals affected with HSPG2-related conditions. Algorithms developed to predict the effect of missense changes on protein structure and function (SIFT, PolyPhen-2, Align-GVGD) all suggest that this variant is likely to be tolerated. In summary, the available evidence is currently insufficient to determine the role of this variant in disease. Therefore, it has been classified as a Variant of Uncertain Significance.